The following is an entry in ClinVar:

NM_181784.3(SPRED2):c.589-8C>T

Gene: SPRED2 (sprouty related EVH1 domain containing 2; minus strand). Cytogenetic location: 2p14.
Variant type: single nucleotide variant.
Coding change: c.589-8C>T on transcript NM_181784.3 (MANE Select); 8 bases into the intron before coding-DNA position 589, C replaced by T.
Molecular consequence: intron variant.
Genome position (GRCh38, 1-based): chr2:65,314,177, G>A on the plus strand (C>T on the coding strand, the complement: SPRED2 is on the minus strand). VCF-style: chr2-65314177-G-A. GRCh37 (hg19) VCF-style: chr2-65541311-G-A.
Other names: c.580-8C>T (NM_001128210.2).
Identifiers: ClinVar variation 2651009 (VCV002651009.25), dbSNP rs200299417, ClinGen allele CA1687504.

ClinVar aggregate classification (germline): Likely benign. Review status: criteria provided, multiple submitters, no conflicts (2 of 4 stars). 2 submissions from 2 submitters: Likely benign (2). Last evaluated 2026-02-01.

Allele frequency attached by ClinVar (database versions not stated): TOPMed 0.00030; ESP Exome Variant Server 0.00046; gnomAD 0.00133; ExAC 0.00148.
gnomAD v4.1: 1,372 of 1,570,134 alleles (0.087%); highest among the groups gnomAD compares: South Asian, 0.085%; 11 homozygotes.

Submissions (2):

CeGaT Center for Human Genetics Tuebingen
Classification: Likely benign. Last evaluated: 2026-02-01. Review status: criteria provided, single submitter. Criteria: CeGaT Center For Human Genetics Tuebingen Variant Classification Criteria Version 2. Collection method: clinical testing. Allele origin: germline. Affected: yes. Observed: 3 variant alleles.
Comment: SPRED2: BP4, BS2

Blueprint Genetics
Classification: Likely benign. Last evaluated: 2024-11-18. Review status: criteria provided, single submitter. Criteria: ACMG Guidelines, 2015. Collection method: clinical testing. Allele origin: germline.